The following is an entry in ClinVar:

NM_002693.3(POLG):c.2480+3A>G

Gene: POLG (DNA polymerase gamma, catalytic subunit; minus strand). Cytogenetic location: 15q26.1.
Variant type: single nucleotide variant.
Coding change: c.2480+3A>G on transcript NM_002693.3 (MANE Select); 3 bases into the intron after coding-DNA position 2480, A replaced by G.
Molecular consequence: intron variant.
Genome position (GRCh38, 1-based): chr15:89,321,959, T>C on the plus strand (A>G on the coding strand, the complement: POLG is on the minus strand). VCF-style: chr15-89321959-T-C. GRCh37 (hg19) VCF-style: chr15-89865190-T-C.
Other names: c.2480+3A>G (NM_001126131.2).
Identifiers: ClinVar variation 3621432 (VCV003621432.2).

ClinVar aggregate classification (germline): Uncertain significance (1 of 4 stars; one submission).

Conditions:
Progressive sclerosing poliodystrophy (MTDPS4A). Also called: ALPERS PROGRESSIVE INFANTILE POLIODYSTROPHY; NEURONAL DEGENERATION OF CHILDHOOD WITH LIVER DISEASE, PROGRESSIVE; Alpers Syndrome; ALPERS DIFFUSE DEGENERATION OF CEREBRAL GRAY MATTER WITH HEPATIC CIRRHOSIS; Alpers-Huttenlocher Syndrome; Mitochondrial DNA depletion syndrome 4A (Alpers type). Identifiers: Orphanet 726, MedGen C0205710, MONDO:0008758, OMIM 203700.

Submission:

Labcorp Genetics (formerly Invitae), Labcorp
Classification: Uncertain significance for Progressive sclerosing poliodystrophy. Last evaluated: 2024-03-07. Review status: criteria provided, single submitter. Criteria: Invitae Variant Classification Sherloc (09022015). Collection method: clinical testing. Allele origin: germline.
Comment: This sequence change falls in intron 15 of the POLG gene. It does not directly change the encoded amino acid sequence of the POLG protein. It affects a nucleotide within the consensus splice site. This variant is not present in population databases (gnomAD no frequency). This variant has not been reported in the literature in individuals affected with POLG-related conditions. Variants that disrupt the consensus splice site are a relatively common cause of aberrant splicing (PMID: 17576681, 9536098). Algorithms developed to predict the effect of sequence changes on RNA splicing suggest that this variant may disrupt the consensus splice site. In summary, the available evidence is currently insufficient to determine the role of this variant in disease. Therefore, it has been classified as a Variant of Uncertain Significance.

Literature cited by the submitters: PubMed 17576681; PubMed 9536098.